The following is an entry in ClinVar:

ClinVar aggregate classification (germline): Likely benign (1 of 4 stars; one submission).

Allele frequency attached by ClinVar (database versions not stated): 1000 Genomes Project 0.00120; 1000 Genomes Project 30x 0.00125; TOPMed 0.00209; ExAC 0.00295; gnomAD exomes 0.00339.
gnomAD v4.1: 5,224 of 1,589,170 alleles (0.33%); highest among the groups gnomAD compares: Non-Finnish European, 0.4%; 25 homozygotes.

Submission:

CeGaT Center for Human Genetics Tuebingen
Classification: Likely benign. Last evaluated: 2023-08-01. Review status: criteria provided, single submitter. Criteria: CeGaT Center For Human Genetics Tuebingen Variant Classification Criteria Version 2. Collection method: clinical testing. Allele origin: germline. Affected: yes. Observed: 2 variant alleles.
Comment: GOLGA8M: BP4, BS2

NM_001282468.3(GOLGA8M):c.1201-8C>A

Gene: GOLGA8M (golgin A8 family member M; minus strand). Cytogenetic location: 15q13.1.
Variant type: single nucleotide variant.
Coding change: c.1201-8C>A on transcript NM_001282468.3 (MANE Select); 8 bases into the intron before coding-DNA position 1201, C replaced by A.
Molecular consequence: intron variant.
Genome position (GRCh38, 1-based): chr15:28,703,925, G>T on the plus strand (C>A on the coding strand, the complement: GOLGA8M is on the minus strand). VCF-style: chr15-28703925-G-T. GRCh37 (hg19) VCF-style: chr15-28949071-G-T.
Identifiers: ClinVar variation 2645092 (VCV002645092.24), dbSNP rs201754884, ClinGen allele CA7444562.